The following is an entry in ClinVar:

NM_000302.4(PLOD1):c.205G>A (p.Gly69Arg)

Gene: PLOD1 (procollagen-lysine,2-oxoglutarate 5-dioxygenase 1; plus strand). Cytogenetic location: 1p36.22.
Variant type: single nucleotide variant.
Coding change: c.205G>A on transcript NM_000302.4 (MANE Select); coding-DNA position 205, G replaced by A.
Protein change: p.Gly69Arg; replaces glycine 69 with arginine.
Molecular consequence: missense variant.
Genome position (GRCh38, 1-based): chr1:11,949,809, G>A. VCF-style: chr1-11949809-G-A. GRCh37 (hg19) VCF-style: chr1-12009866-G-A.
Other names: c.346G>A, p.Gly116Arg (NM_001316320.2); short protein forms G116R, G69R.
Identifiers: ClinVar variation 3731063 (VCV003731063.1).

ClinVar aggregate classification (germline): Uncertain significance (1 of 4 stars; one submission).

gnomAD v4.1: 1 of 1,614,068 alleles (0.000062%); highest among the groups gnomAD compares: South Asian, 0.0011%; no homozygotes.

Submission:

GeneDx
Classification: Uncertain significance. Last evaluated: 2024-08-11. Review status: criteria provided, single submitter. Criteria: GeneDx Variant Classification Process June 2021. Collection method: clinical testing. Allele origin: germline. Affected: yes.
Comment: Not observed at significant frequency in large population cohorts (gnomAD); In silico analysis supports that this missense variant has a deleterious effect on protein structure/function; Has not been previously published as pathogenic or benign to our knowledge